The following is an entry in ClinVar:

NM_004304.5(ALK):c.1940A>C (p.Asn647Thr)

Gene: ALK (ALK receptor tyrosine kinase; minus strand). Cytogenetic location: 2p23.2.
Variant type: single nucleotide variant.
Coding change: c.1940A>C on transcript NM_004304.5 (MANE Select); coding-DNA position 1940, A replaced by C.
Protein change: p.Asn647Thr; replaces asparagine 647 with threonine.
Molecular consequence: missense variant.
Genome position (GRCh38, 1-based): chr2:29,275,200, T>G on the plus strand (A>C on the coding strand, the complement: ALK is on the minus strand). VCF-style: chr2-29275200-T-G. GRCh37 (hg19) VCF-style: chr2-29498066-T-G.
Other names: short protein forms N647T.
Identifiers: ClinVar variation 3856161 (VCV003856161.2).

ClinVar aggregate classification (germline): Uncertain significance. Review status: criteria provided, multiple submitters, no conflicts (2 of 4 stars). 2 submissions from 2 submitters: Uncertain significance (2). Last evaluated 2025-05-26.

Conditions:
Neuroblastoma, susceptibility to, 3. Also called: ALK-Related Neuroblastic Tumor Susceptibility. Identifiers: Orphanet 635, MedGen C2751681, MONDO:0013083, OMIM 613014.
Hereditary cancer-predisposing syndrome. Also called: Neoplastic Syndromes, Hereditary; Tumor predisposition; Hereditary neoplastic syndrome; Hereditary Cancer Syndrome. Identifiers: Orphanet 140162, MedGen C0027672, MeSH D009386, MONDO:0015356.

Submissions (2):

Labcorp Genetics (formerly Invitae), Labcorp
Classification: Uncertain significance for Neuroblastoma, susceptibility to, 3. Last evaluated: 2025-05-26. Review status: criteria provided, single submitter. Criteria: Invitae Variant Classification Sherloc (09022015). Collection method: clinical testing. Allele origin: germline.
Comment: This sequence change replaces asparagine, which is neutral and polar, with threonine, which is neutral and polar, at codon 647 of the ALK protein (p.Asn647Thr). This variant is not present in population databases (gnomAD no frequency). This variant has not been reported in the literature in individuals affected with ALK-related conditions. ClinVar contains an entry for this variant (Variation ID: 3856161). An algorithm developed to predict the effect of missense changes on protein structure and function (PolyPhen-2) suggests that this variant is likely to be tolerated. In summary, the available evidence is currently insufficient to determine the role of this variant in disease. Therefore, it has been classified as a Variant of Uncertain Significance.

Ambry Genetics
Classification: Uncertain significance for Hereditary cancer-predisposing syndrome. Last evaluated: 2025-03-14. Review status: criteria provided, single submitter. Criteria: Ambry Variant Classification Scheme 2023. Collection method: clinical testing. Allele origin: germline.
Comment: The p.N647T variant (also known as c.1940A>C), located in coding exon 11 of the ALK gene, results from an A to C substitution at nucleotide position 1940. The asparagine at codon 647 is replaced by threonine, an amino acid with similar properties. This amino acid position is conserved. In addition, this alteration is predicted to be tolerated by in silico analysis. Based on the available evidence, the clinical significance of this variant remains unclear.